The following is an entry in ClinVar:

NM_130384.3(ATRIP):c.104G>A (p.Arg35Gln)

Genes: ATRIP (ATR interacting protein; plus strand), ATRIP-TREX1 (ATRIP-TREX1 readthrough; plus strand), LOC129936703 (ATAC-STARR-seq lymphoblastoid silent region 14331; plus strand). Cytogenetic location: 3p21.31.
Variant type: single nucleotide variant.
Coding change: c.104G>A on transcript NM_130384.3 (MANE Select); coding-DNA position 104, G replaced by A.
Protein change: p.Arg35Gln; replaces arginine 35 with glutamine.
Molecular consequence: missense variant. On other transcripts: non-coding transcript variant (1), intron variant (1).
Genome position (GRCh38, 1-based): chr3:48,446,949, G>A. VCF-style: chr3-48446949-G-A. GRCh37 (hg19) VCF-style: chr3-48488353-G-A.
Other names: c.104G>A, p.Arg35Gln (NM_032166.4); c.-218+150G>A (NM_001271022.2); short protein forms R35Q.
Identifiers: ClinVar variation 4181777 (VCV004181777.1).

ClinVar aggregate classification (germline): Uncertain significance (1 of 4 stars; one submission).

gnomAD v4.1: 3 of 1,526,628 alleles (0.0002%); highest among the groups gnomAD compares: East Asian, 0.0027%; no homozygotes.

Submission:

Ambry Genetics
Classification: Uncertain significance. Last evaluated: 2025-06-16. Review status: criteria provided, single submitter. Criteria: Ambry Variant Classification Scheme 2023. Collection method: clinical testing. Allele origin: germline.
Comment: The p.R35Q variant (also known as c.104G>A), located in coding exon 1 of the ATRIP gene, results from a G to A substitution at nucleotide position 104. The arginine at codon 35 is replaced by glutamine, an amino acid with highly similar properties. This amino acid position is well conserved in available vertebrate species. In addition, this alteration is predicted to be tolerated by in silico analysis. The evidence for this gene-disease relationship is limited; therefore, the clinical significance of this alteration is unclear.